The following is an entry in ClinVar:

NM_000179.3(MSH6):c.583G>T (p.Val195Phe)

Gene: MSH6 (mutS homolog 6; plus strand). Cytogenetic location: 2p16.3.
Variant type: single nucleotide variant.
Coding change: c.583G>T on transcript NM_000179.3 (MANE Select); coding-DNA position 583, G replaced by T.
Protein change: p.Val195Phe; replaces valine 195 with phenylalanine.
Molecular consequence: missense variant. On other transcripts: 5 prime UTR variant (1), intron variant (2).
Genome position (GRCh38, 1-based): chr2:47,796,019, G>T. VCF-style: chr2-47796019-G-T. GRCh37 (hg19) VCF-style: chr2-48023158-G-T.
Other names: c.-320G>T (NM_001281494.2); c.-279-2592G>T (NM_001281493.2); c.238-2592G>T (NM_001281492.2); short protein forms V195F.
Identifiers: ClinVar variation 89538 (VCV000089538.20), dbSNP rs267608038, ClinGen allele CA015915.
Genomic context (GRCh38, chr2:47,796,019, plus strand): 5'-GCAATGCAACGTGCAGATGAAGCCTTAAATAAAGACAAGATTAAGAGGCTTGAATTGGCA[G>T]TTTGTGATGAGCCCTCAGAGCCAGAAGAGGAAGAAGAGATGGAGGTGGGACACGGCAAGC-3'
Protein context (NP_000170.1, residues 185-205): KDKIKRLELA[Val195Phe]CDEPSEPEEE

ClinVar aggregate classification (germline): Conflicting classifications of pathogenicity. Review status: criteria provided, conflicting classifications (1 of 4 stars). 4 submissions from 4 submitters: Uncertain significance (3); Likely benign (1). Last evaluated 2025-10-07.

Conditions:
Hereditary nonpolyposis colorectal neoplasms. Identifiers: MedGen C0009405, MeSH D003123.
Hereditary cancer-predisposing syndrome. Also called: Tumor predisposition; Hereditary Cancer Syndrome; Hereditary neoplastic syndrome; Neoplastic Syndromes, Hereditary. Identifiers: Orphanet 140162, MedGen C0027672, MeSH D009386, MONDO:0015356.

Allele frequency attached by ClinVar (database versions not stated): gnomAD exomes below 0.00001.
gnomAD v4.1: 3 of 1,614,178 alleles (0.00019%); highest among the groups gnomAD compares: South Asian, 0.0022%; no homozygotes.

Submissions (4):

Color Diagnostics, LLC DBA Color Health
Classification: Uncertain significance for Hereditary cancer-predisposing syndrome. Last evaluated: 2025-10-07. Review status: criteria provided, single submitter. Criteria: ACMG Guidelines, 2015. Collection method: clinical testing. Allele origin: germline.
Comment: This missense variant replaces valine with phenylalanine at codon 195 of the MSH6 protein. Computational prediction suggests that this variant may not impact protein structure and function. To our knowledge, functional studies have not been reported for this variant. This variant has been reported in an individual suspicious for Lynch syndrome in the literature (PMID: 18566915). This variant has been identified in 3/1461880 chromosomes in the general population by the Genome Aggregation Database (gnomAD). The available evidence is insufficient to determine the role of this variant in disease conclusively. Therefore, this variant is classified as a Variant of Uncertain Significance.

Ambry Genetics
Classification: Uncertain significance for Hereditary cancer-predisposing syndrome. Last evaluated: 2025-09-22. Review status: criteria provided, single submitter. Criteria: Ambry Variant Classification Scheme 2023. Collection method: clinical testing. Allele origin: germline.
Comment: The p.V195F variant (also known as c.583G>T), located in coding exon 3 of the MSH6 gene, results from a G to T substitution at nucleotide position 583. The valine at codon 195 is replaced by phenylalanine, an amino acid with highly similar properties. This alteration was identified in a Danish cohort of individuals suspicious for hereditary colon cancer but was considered a variant of uncertain significance (Nilbert M et al. Fam. Cancer. 2009 Jun;8:75-83). This amino acid position is well conserved in available vertebrate species. In addition, the in silico prediction for this alteration is inconclusive. Based on the available evidence, the clinical significance of this variant remains unclear.

Labcorp Genetics (formerly Invitae), Labcorp
Classification: Likely benign for Hereditary nonpolyposis colorectal neoplasms. Last evaluated: 2025-08-03. Review status: criteria provided, single submitter. Criteria: Invitae Variant Classification Sherloc (09022015). Collection method: clinical testing. Allele origin: germline.

Women's Health and Genetics/Laboratory Corporation of America, LabCorp
Classification: Uncertain significance. Last evaluated: 2019-01-16. Review status: criteria provided, single submitter. Criteria: LabCorp Variant Classification Summary - May 2015. Collection method: clinical testing. Allele origin: germline.
Comment: Variant summary: MSH6 c.583G>T (p.Val195Phe) results in a non-conservative amino acid change in the encoded protein sequence. Four of five in-silico tools predict a damaging effect of the variant on protein function. The variant was absent in 246198 control chromosomes (gnomAD). The available data on variant occurrences in the general population are insufficient to allow any conclusion about variant significance. c.583G>T has been reported in the literature in an individual without provided phenotypic information (Nilbert_2009). This report does not provide an unequivocal conclusion about association of the variant with Lynch Syndrome. Co-occurrences with other pathogenic variant(s) have been reported (MSH6 c.3514dupA, p.Arg1172fsX5), providing supporting evidence for a benign role. To our knowledge, no experimental evidence demonstrating an impact on protein function has been reported. Two ClinVar submission from clinical diagnostic laboratories (evaluation after 2014) cites the variant as uncertain significance. Based on the evidence outlined above, the variant was classified as VUS-possibly benign.

Literature cited by the submitters: PubMed 18566915 (cited by 3 submitters); PubMed 23621914 (cited by Women's Health and Genetics/Laboratory Corporation of America, LabCorp).